The following is an entry in ClinVar:

ClinVar aggregate classification (germline): Uncertain significance. Review status: criteria provided, multiple submitters, no conflicts (2 of 4 stars). 2 submissions from 2 submitters: Uncertain significance (2). Last evaluated 2026-02-05.

gnomAD v4.1: 5 of 1,613,576 alleles (0.00031%); highest among the groups gnomAD compares: East Asian, 0.0022%; no homozygotes.

Submissions (2):

Women's Health and Genetics/Laboratory Corporation of America, LabCorp
Classification: Uncertain significance. Last evaluated: 2026-02-05. Review status: criteria provided, single submitter. Criteria: LabCorp Variant Classification Summary - May 2015. Collection method: clinical testing. Allele origin: germline.
Comment: Variant summary: ZMIZ1 c.1927G>A (p.Asp643Asn) results in a conservative amino acid change in the encoded protein sequence. Algorithms developed to predict the effect of missense changes on protein structure and function are either unavailable or do not agree on the potential impact of this missense change. The variant allele was found at a frequency of 8e-06 in 250558 control chromosomes. The available data on variant occurrences in the general population are insufficient to allow any conclusion about variant significance. To our knowledge, no occurrence of c.1927G>A in individuals affected with ZMIZ1-related conditions and no experimental evidence demonstrating its impact on protein function have been reported. No submitters have cited clinical-significance assessments for this variant to ClinVar. Based on the evidence outlined above, the variant was classified as uncertain significance.

Labcorp Genetics (formerly Invitae), Labcorp
Classification: Uncertain significance. Last evaluated: 2025-07-30. Review status: criteria provided, single submitter. Criteria: Invitae Variant Classification Sherloc (09022015). Collection method: clinical testing. Allele origin: germline.
Comment: This sequence change replaces aspartic acid, which is acidic and polar, with asparagine, which is neutral and polar, at codon 643 of the ZMIZ1 protein (p.Asp643Asn). This variant is present in population databases (no rsID available, gnomAD 0.006%). This variant has not been reported in the literature in individuals affected with ZMIZ1-related conditions. Invitae Evidence Modeling of protein sequence and biophysical properties (such as structural, functional, and spatial information, amino acid conservation, physicochemical variation, residue mobility, and thermodynamic stability) has been performed for this missense variant. However, the output from this modeling did not meet the statistical confidence thresholds required to predict the impact of this variant on ZMIZ1 protein function. In summary, the available evidence is currently insufficient to determine the role of this variant in disease. Therefore, it has been classified as a Variant of Uncertain Significance.

NM_020338.4(ZMIZ1):c.1927G>A (p.Asp643Asn)

Gene: ZMIZ1 (zinc finger MIZ-type containing 1; plus strand). Cytogenetic location: 10q22.3.
Variant type: single nucleotide variant.
Coding change: c.1927G>A on transcript NM_020338.4 (MANE Select); coding-DNA position 1927, G replaced by A.
Protein change: p.Asp643Asn; replaces aspartic acid 643 with asparagine.
Molecular consequence: missense variant.
Genome position (GRCh38, 1-based): chr10:79,300,850, G>A. VCF-style: chr10-79300850-G-A. GRCh37 (hg19) VCF-style: chr10-81060607-G-A.
Other names: short protein forms D643N.
Identifiers: ClinVar variation 4763980 (VCV004763980.2).
Genomic context (GRCh38, chr10:79,300,850, plus strand): 5'-AACTGGCCCGCCTCGGTGCAGGTCAGCGTGAACGCCACGCCCCTCACCATTGAGCGCGGC[G>A]ACAACAAGACCTCCCACAAGCCCCTGCACCTGAAGCACGTGTGCCAGCCGGGCCGCAACA-3'
Protein context (NP_065071.1, residues 633-653): NATPLTIERG[Asp643Asn]NKTSHKPLHL